The following is an entry in ClinVar:

NM_007175.8(ERLIN2):c.220G>A (p.Val74Ile)

Gene: ERLIN2 (ER lipid raft associated 2; plus strand). Cytogenetic location: 8p11.23.
Variant type: single nucleotide variant.
Coding change: c.220G>A on transcript NM_007175.8 (MANE Select); coding-DNA position 220, G replaced by A.
Protein change: p.Val74Ile; replaces valine 74 with isoleucine.
Molecular consequence: missense variant.
Genome position (GRCh38, 1-based): chr8:37,741,802, G>A. VCF-style: chr8-37741802-G-A. GRCh37 (hg19) VCF-style: chr8-37599320-G-A.
Other names: c.220G>A, p.Val74Ile (NM_001003790.4, NM_001003791.3, NM_001362878.2 and 1 more transcripts); short protein forms V74I.
Identifiers: ClinVar variation 836907 (VCV000836907.6), dbSNP rs1802860785, ClinGen allele CA370650762.
Genomic context (GRCh38, chr8:37,741,802, plus strand): 5'-TCTAGCACTTTATGTTTCCTCTGTTTCCAGACCACACTCCAGACAGATGAGGTGAAGAAT[G>A]TACCTTGTGGGACTAGGTAAGGTACCCAGAATAAAGCTTTTAAGCCCAAATAAGTCAGAG-3'
Protein context (NP_009106.1, residues 64-84): TTLQTDEVKN[Val74Ile]PCGTSGGVMI

ClinVar aggregate classification (germline): Uncertain significance (1 of 4 stars; one submission).

Conditions:
Spastic paraplegia. Identifiers: MedGen C0037772, HP:0001258.

Allele frequency attached by ClinVar (database versions not stated): gnomAD 0.00001.
gnomAD v4.1: 1 of 1,613,438 alleles (0.000062%); highest among the groups gnomAD compares: African/African-American, 0.0013%; no homozygotes.

Submission:

Labcorp Genetics (formerly Invitae), Labcorp
Classification: Uncertain significance for Spastic paraplegia. Last evaluated: 2020-07-08. Review status: criteria provided, single submitter. Criteria: Invitae Variant Classification Sherloc (09022015). Collection method: clinical testing. Allele origin: germline.
Comment: In summary, the available evidence is currently insufficient to determine the role of this variant in disease. Therefore, it has been classified as a Variant of Uncertain Significance. Algorithms developed to predict the effect of missense changes on protein structure and function (SIFT, PolyPhen-2, Align-GVGD) all suggest that this variant is likely to be disruptive, but these predictions have not been confirmed by published functional studies and their clinical significance is uncertain. This variant has been observed in individual(s) with clinical features of hereditary spastic paraplegia (Invitae). This variant is not present in population databases (ExAC no frequency). This sequence change replaces valine with isoleucine at codon 74 of the ERLIN2 protein (p.Val74Ile). The valine residue is highly conserved and there is a small physicochemical difference between valine and isoleucine.